The following is an entry in ClinVar:

ClinVar aggregate classification (germline): Uncertain significance. Review status: criteria provided, multiple submitters, no conflicts (2 of 4 stars). 2 submissions from 2 submitters: Uncertain significance (2). Last evaluated 2024-04-30.

Conditions:
Hereditary cancer-predisposing syndrome. Also called: Neoplastic Syndromes, Hereditary; Hereditary neoplastic syndrome; Hereditary Cancer Syndrome; Tumor predisposition. Identifiers: Orphanet 140162, MedGen C0027672, MeSH D009386, MONDO:0015356.
Gorlin syndrome. Also called: Nevoid Basal Cell Carcinoma Syndrome; Basal cell nevus syndrome. Identifiers: Orphanet 377, MedGen C0004779, MONDO:0007187.

Submissions (2):

Labcorp Genetics (formerly Invitae), Labcorp
Classification: Uncertain significance for Gorlin syndrome. Last evaluated: 2024-04-30. Review status: criteria provided, single submitter. Criteria: Invitae Variant Classification Sherloc (09022015). Collection method: clinical testing. Allele origin: germline.
Comment: This sequence change replaces glutamic acid, which is acidic and polar, with aspartic acid, which is acidic and polar, at codon 63 of the PTCH1 protein (p.Glu63Asp). This variant is not present in population databases (gnomAD no frequency). This variant has not been reported in the literature in individuals affected with PTCH1-related conditions. ClinVar contains an entry for this variant (Variation ID: 653973). Advanced modeling of protein sequence and biophysical properties (such as structural, functional, and spatial information, amino acid conservation, physicochemical variation, residue mobility, and thermodynamic stability) performed at Invitae indicates that this missense variant is not expected to disrupt PTCH1 protein function with a negative predictive value of 95%. In summary, the available evidence is currently insufficient to determine the role of this variant in disease. Therefore, it has been classified as a Variant of Uncertain Significance.

Ambry Genetics
Classification: Uncertain significance for Hereditary cancer-predisposing syndrome. Last evaluated: 2023-12-20. Review status: criteria provided, single submitter. Criteria: Ambry Variant Classification Scheme 2023. Collection method: clinical testing. Allele origin: germline.
Comment: The p.E63D variant (also known as c.189G>C), located in coding exon 1 of the PTCH1 gene, results from a G to C substitution at nucleotide position 189. The glutamic acid at codon 63 is replaced by aspartic acid, an amino acid with highly similar properties. This amino acid position is conserved. In addition, this alteration is predicted to be tolerated by in silico analysis. Since supporting evidence is limited at this time, the clinical significance of this alteration remains unclear.

NM_000264.5(PTCH1):c.189G>C (p.Glu63Asp)

Gene: PTCH1 (patched 1; minus strand). Cytogenetic location: 9q22.32.
Variant type: single nucleotide variant.
Coding change: c.189G>C on transcript NM_000264.5 (MANE Select); coding-DNA position 189, G replaced by C.
Protein change: p.Glu63Asp; replaces glutamic acid 63 with aspartic acid.
Molecular consequence: missense variant. On other transcripts: non-coding transcript variant (1), intron variant (3).
Genome position (GRCh38, 1-based): chr9:95,508,173, C>G on the plus strand (G>C on the coding strand, the complement: PTCH1 is on the minus strand). VCF-style: chr9-95508173-C-G. GRCh37 (hg19) VCF-style: chr9-98270455-C-G.
Other names: c.189G>C, p.Glu63Asp (NM_001354918.2); c.199-1574G>C (NM_001083603.3); c.4-1574G>C (NM_001083602.3, NM_001354919.2); short protein forms E63D.
Identifiers: ClinVar variation 653973 (VCV000653973.8), dbSNP rs1587700210, ClinGen allele CA374121265.
Genomic context (GRCh38, chr9:95,508,173, plus strand): 5'-GAGTTAGAGGAGGGAAGAGAAAGTGGGAGGAGAGAGTCTGAAATGCACCTTGGAAATCTG[C>G]TCCAGAGCGAAGGCGGCGTCGCAGTAGCTGGGCCGGTGCAGATAGTCCCGGTCCGGCGCG-3'
Protein context (NP_000255.2, residues 53-73): PSYCDAAFAL[Glu63Asp]QISKGKATGR